The following is an entry in ClinVar:

ClinVar aggregate classification (germline): Pathogenic (1 of 4 stars; one submission).

Conditions:
Congenital sideroblastic anemia-B-cell immunodeficiency-periodic fever-developmental delay syndrome. Also called: Sideroblastic anemia with B-cell immunodeficiency, periodic fevers, and developmental delay. Identifiers: Orphanet 369861, MedGen C4015172, MONDO:0014487, OMIM 616084.

Submission:

Labcorp Genetics (formerly Invitae), Labcorp
Classification: Pathogenic for Congenital sideroblastic anemia-B-cell immunodeficiency-periodic fever-developmental delay syndrome. Last evaluated: 2021-01-29. Review status: criteria provided, single submitter. Criteria: Invitae Variant Classification Sherloc (09022015). Collection method: clinical testing. Allele origin: germline.
Comment: For these reasons, this variant has been classified as Pathogenic. Donor and acceptor splice site variants typically lead to a loss of protein function (PMID: 16199547), and loss-of-function variants in TRNT1 are known to be pathogenic (PMID: 25193871). A different variant affecting this nucleotide (c.608+1G>T) has been determined to be pathogenic (PMID: 25193871). This suggests that this nucleotide is important for normal RNA splicing, and that other variants at this position may also be pathogenic. This variant has not been reported in the literature in individuals with TRNT1-related disease. This variant is not present in population databases (ExAC no frequency). This sequence change affects a donor splice site in intron 5 of the TRNT1 gene. It is expected to disrupt RNA splicing and likely results in an absent or disrupted protein product.

Literature cited by the submitters: PubMed 16199547; PubMed 25193871.

NM_182916.3(TRNT1):c.608+1G>A

Gene: TRNT1 (tRNA nucleotidyl transferase 1; plus strand). Cytogenetic location: 3p26.2.
Variant type: single nucleotide variant.
Coding change: c.608+1G>A on transcript NM_182916.3 (MANE Select); the canonical splice donor site of the intron after coding-DNA position 608, G replaced by A.
Molecular consequence: splice donor variant.
Genome position (GRCh38, 1-based): chr3:3,144,711, G>A. VCF-style: chr3-3144711-G-A. GRCh37 (hg19) VCF-style: chr3-3186395-G-A.
Other names: c.608+1G>A (NM_001367321.1, NM_001367323.1, NM_001367322.1 and 1 more transcripts).
Identifiers: ClinVar variation 1388100 (VCV001388100.8), dbSNP rs529290186, ClinGen allele CA351445328.